The following is an entry in ClinVar:

ClinVar aggregate classification (germline): Uncertain significance (1 of 4 stars; one submission).

Conditions:
Cornelia de Lange syndrome 1 (CDLS1). Also called: TYPUS DEGENERATIVUS AMSTELODAMENSIS; Brachmann de Lange syndrome; NIPBL-Related Cornelia de Lange Syndrome. Identifiers: Orphanet 199, MedGen C4551851, MONDO:0007387, OMIM 122470.

Submission:

Centre for Mendelian Genomics, University Medical Centre Ljubljana
Classification: Uncertain significance for Cornelia de Lange syndrome 1. Last evaluated: 2019-07-08. Review status: criteria provided, single submitter. Criteria: ACMG Guidelines, 2015. Collection method: clinical testing. Allele origin: unknown. Affected: yes.
Comment: This variant was classified as: Uncertain significance. The available evidence on this variant's pathogenicity is insufficient or conflicting. The following ACMG criteria were applied in classifying this variant: PM2.

NM_133433.4(NIPBL):c.1849G>C (p.Glu617Gln)

Gene: NIPBL (NIPBL cohesin loading factor; plus strand). Cytogenetic location: 5p13.2.
Variant type: single nucleotide variant.
Coding change: c.1849G>C on transcript NM_133433.4 (MANE Select); coding-DNA position 1849, G replaced by C.
Protein change: p.Glu617Gln; replaces glutamic acid 617 with glutamine.
Molecular consequence: missense variant.
Genome position (GRCh38, 1-based): chr5:36,985,029, G>C. VCF-style: chr5-36985029-G-C. GRCh37 (hg19) VCF-style: chr5-36985131-G-C.
Other names: c.1849G>C, p.Glu617Gln (NM_015384.5); short protein forms E617Q.
Identifiers: ClinVar variation 931572 (VCV000931572.3), dbSNP rs1744586399, ClinGen allele CA359495396.
Genomic context (GRCh38, chr5:36,985,029, plus strand): 5'-CCTGAGACACCTAAAAAAAAGTCTGATCCTGAGCTTTCAAAGAGTGAAATGAAACAAAGT[G>C]AAAGTAGATTAGCAGAATCTAAACCAAATGAAAACCGATTGGTGGAGACAAAATCAAGTG-3'
Protein context (NP_597677.2, residues 607-627): ELSKSEMKQS[Glu617Gln]SRLAESKPNE